The following is an entry in ClinVar:

NM_000135.4(FANCA):c.1654G>T (p.Glu552Ter)

Gene: FANCA (FA complementation group A; minus strand). Cytogenetic location: 16q24.3.
Variant type: single nucleotide variant.
Coding change: c.1654G>T on transcript NM_000135.4 (MANE Select); coding-DNA position 1654, G replaced by T.
Protein change: p.Glu552Ter; replaces glutamic acid 552 with a stop codon.
Molecular consequence: nonsense.
Genome position (GRCh38, 1-based): chr16:89,779,930, C>A on the plus strand (G>T on the coding strand, the complement: FANCA is on the minus strand). VCF-style: chr16-89779930-C-A. GRCh37 (hg19) VCF-style: chr16-89846338-C-A.
Other names: c.1654G>T, p.Glu552Ter (NM_001286167.3); short protein forms E552*.
Identifiers: ClinVar variation 1724353 (VCV001724353.2), dbSNP rs1012809189, ClinGen allele CA397456396.

ClinVar aggregate classification (germline): Likely pathogenic (1 of 4 stars; one submission).

Conditions:
Fanconi anemia complementation group A (FANCA). Also called: FANCA-Related Fanconi Anemia; Fanconi anemia, group A. Identifiers: Orphanet 84, MedGen C3469521, MONDO:0009215, OMIM 227650.

gnomAD v4.1: 1 of 1,614,212 alleles (0.000062%); no homozygotes.

Submission:

Myriad Genetics, Inc.
Classification: Likely pathogenic for Fanconi anemia complementation group A. Last evaluated: 2022-02-07. Review status: criteria provided, single submitter. Criteria: Myriad Women's Health Autosomal Recessive and X-Linked Classification Criteria (2021). Collection method: clinical testing. Allele origin: unknown.
Comment: NM_000135.2(FANCA):c.1654G>T(E552*) is expected to be pathogenic in the context of Fanconi anemia complementation group A. This variant is predicted to lead to an abnormal or absent protein product due to the creation of a premature termination codon in FANCA, a gene where loss-of-function variants are known to be pathogenic. Please note: this variant was assessed in the context of healthy population screening.